The following is an entry in ClinVar:

NM_001003795.3(GTF2IRD2B):c.2628G>C (p.Thr876=)

Gene: GTF2IRD2B (GTF2I repeat domain containing 2B; plus strand). Cytogenetic location: 7q11.23.
Variant type: single nucleotide variant.
Coding change: c.2628G>C on transcript NM_001003795.3 (MANE Select); coding-DNA position 2628, G replaced by C.
Protein change: p.Thr876=; no amino-acid change (threonine 876 retained).
Molecular consequence: synonymous variant.
Genome position (GRCh38, 1-based): chr7:75,149,075, G>C. VCF-style: chr7-75149075-G-C. GRCh37 (hg19) VCF-style: chr7-74564881-G-C.
Other names: c.3114G>C, p.Thr1038= (NM_001368302.1).
Identifiers: ClinVar variation 2657608 (VCV002657608.24), dbSNP rs782523521, ClinGen allele CA842200835.

ClinVar aggregate classification (germline): Likely benign (1 of 4 stars; one submission).

Submission:

CeGaT Center for Human Genetics Tuebingen
Classification: Likely benign. Last evaluated: 2022-03-01. Review status: criteria provided, single submitter. Criteria: CeGaT Center For Human Genetics Tuebingen Variant Classification Criteria Version 2. Collection method: clinical testing. Allele origin: germline. Affected: yes. Observed: 1 variant allele.
Comment: GTF2IRD2B: BP4, BP7